The following is an entry in ClinVar:

NM_152756.5(RICTOR):c.4136+288C>T

Gene: RICTOR (RPTOR independent companion of MTOR complex 2; minus strand). Cytogenetic location: 5p13.1.
Variant type: single nucleotide variant.
Coding change: c.4136+288C>T on transcript NM_152756.5 (MANE Select); 288 bases into the intron after coding-DNA position 4136, C replaced by T.
Molecular consequence: intron variant. On other transcripts: synonymous variant (1).
Genome position (GRCh38, 1-based): chr5:38,949,424, G>A on the plus strand (C>T on the coding strand, the complement: RICTOR is on the minus strand). VCF-style: chr5-38949424-G-A. GRCh37 (hg19) VCF-style: chr5-38949526-G-A.
Other names: c.4140C>T, p.Ile1380= (NM_001285439.2); c.3281+288C>T (NM_001285440.2).
Identifiers: ClinVar variation 3234169 (VCV003234169.20), dbSNP rs774111455, ClinGen allele CA3244719.

ClinVar aggregate classification (germline): Likely benign (1 of 4 stars; one submission).

Allele frequency attached by ClinVar (database versions not stated): gnomAD 0.00001; TOPMed 0.00001; ExAC 0.00004.
gnomAD v4.1: 48 of 1,589,176 alleles (0.003%); highest among the groups gnomAD compares: South Asian, 0.026%; no homozygotes.

Submission:

CeGaT Center for Human Genetics Tuebingen
Classification: Likely benign. Last evaluated: 2024-04-01. Review status: criteria provided, single submitter. Criteria: CeGaT Center For Human Genetics Tuebingen Variant Classification Criteria Version 2. Collection method: clinical testing. Allele origin: germline. Affected: yes. Observed: 1 variant allele.
Comment: RICTOR: BP4